The following is an entry in ClinVar:

NM_001349253.2(SCN11A):c.662T>C (p.Leu221Pro)

Gene: SCN11A (sodium voltage-gated channel alpha subunit 11; minus strand). Cytogenetic location: 3p22.2.
Variant type: single nucleotide variant.
Coding change: c.662T>C on transcript NM_001349253.2 (MANE Select); coding-DNA position 662, T replaced by C.
Protein change: p.Leu221Pro; replaces leucine 221 with proline.
Molecular consequence: missense variant.
Genome position (GRCh38, 1-based): chr3:38,925,465, A>G on the plus strand (T>C on the coding strand, the complement: SCN11A is on the minus strand). VCF-style: chr3-38925465-A-G. GRCh37 (hg19) VCF-style: chr3-38966956-A-G.
Other names: c.662T>C, p.Leu221Pro (NM_014139.3); short protein forms L221P.
Identifiers: ClinVar variation 841183 (VCV000841183.5), dbSNP rs2066123935, ClinGen allele CA352173342.
Genomic context (GRCh38, chr3:38,925,465, plus strand): 5'-AGTGACTTACGTGAAACTACTGAAATTGCTTTCAAAGCTCTGAACACACGGAAGGTACGC[A>G]GGGGCAATAGTTTGATGGTGATTCCTGGAATATATGACACAATCCTACAAGACAAAGCAC-3'
Protein context (NP_001336182.1, residues 211-231): IPGITIKLLP[Leu221Pro]RTFRVFRALK

ClinVar aggregate classification (germline): Uncertain significance (1 of 4 stars; one submission).

Conditions:
Hereditary sensory and autonomic neuropathy type 7. Also called: Neuropathy, hereditary sensory and autonomic, type VII; HSAN VII. Identifiers: Orphanet 391397, MedGen C3809882, MONDO:0014244, OMIM 615548.
Familial episodic pain syndrome with predominantly lower limb involvement. Also called: Episodic pain syndrome, familial, 3. Identifiers: Orphanet 391384, Orphanet 391392, MedGen C3809899, MONDO:0014247, OMIM 615552.

gnomAD v4.1: 1 of 1,613,940 alleles (0.000062%); highest among the groups gnomAD compares: Non-Finnish European, 0.000085%; no homozygotes.

Submission:

Labcorp Genetics (formerly Invitae), Labcorp
Classification: Uncertain significance for Familial episodic pain syndrome with predominantly lower limb involvement; Hereditary sensory and autonomic neuropathy type 7. Last evaluated: 2019-05-08. Review status: criteria provided, single submitter. Criteria: Invitae Variant Classification Sherloc (09022015). Collection method: clinical testing. Allele origin: germline.
Comment: In summary, the available evidence is currently insufficient to determine the role of this variant in disease. Therefore, it has been classified as a Variant of Uncertain Significance. Algorithms developed to predict the effect of missense changes on protein structure and function (SIFT, PolyPhen-2, Align-GVGD) all suggest that this variant is likely to be disruptive, but these predictions have not been confirmed by published functional studies and their clinical significance is uncertain. This variant has not been reported in the literature in individuals with SCN11A-related conditions. This variant is not present in population databases (ExAC no frequency). This sequence change replaces leucine with proline at codon 221 of the SCN11A protein (p.Leu221Pro). The leucine residue is highly conserved and there is a moderate physicochemical difference between leucine and proline.